The following is an entry in ClinVar:

NM_032357.4(VMA22):c.1A>G (p.Met1Val)

Genes: VMA22 (vacuolar ATPase assembly factor VMA22; minus strand), LOC129934769 (ATAC-STARR-seq lymphoblastoid active region 16526; plus strand). Cytogenetic location: 2q21.1.
Variant type: single nucleotide variant.
Coding change: c.1A>G on transcript NM_032357.4 (MANE Select); coding-DNA position 1, A replaced by G.
Protein change: p.Met1Val; changes the start codon (methionine 1).
Molecular consequence: missense variant, initiator codon variant. On other transcripts: non-coding transcript variant (1), intron variant (1).
Genome position (GRCh38, 1-based): chr2:130,342,125, T>C on the plus strand (A>G on the coding strand, the complement: VMA22 is on the minus strand). VCF-style: chr2-130342125-T-C. GRCh37 (hg19) VCF-style: chr2-131099698-T-C.
Other names: c.96+9A>G (NM_001321118.1); short protein forms M1V.
Identifiers: ClinVar variation 445648 (VCV000445648.6), dbSNP rs752919660, ClinGen allele CA1871408.

ClinVar aggregate classification (germline): Conflicting classifications of pathogenicity. Review status: criteria provided, conflicting classifications (1 of 4 stars). 2 submissions from 2 submitters: Pathogenic (1); Uncertain significance (1). Last evaluated 2025-11-04.

Allele frequency attached by ClinVar (database versions not stated): ExAC 0.00002; gnomAD 0.00003; TOPMed 0.00003; gnomAD exomes 0.00004.
gnomAD v4.1: 157 of 1,613,396 alleles (0.0097%); highest among the groups gnomAD compares: Non-Finnish European, 0.013%; no homozygotes.

Submissions (2):

Labcorp Genetics (formerly Invitae), Labcorp
Classification: Pathogenic. Last evaluated: 2025-11-04. Review status: criteria provided, single submitter. Criteria: Invitae Variant Classification Sherloc (09022015). Collection method: clinical testing. Allele origin: germline.
Comment: This sequence change affects the initiator codon of the CCDC115 mRNA. This change may impact translation initiation or efficiency. The next in-frame methionine is located at codon 49. This variant is present in population databases (rs752919660, gnomAD 0.007%). This variant has not been reported in the literature in individuals affected with CCDC115-related conditions. ClinVar contains an entry for this variant (Variation ID: 445648). This variant disrupts a region of the CCDC115 protein in which other variant(s) (p.Leu31Ser) have been determined to be pathogenic (PMID: 26833332, 29759592, 33413482). This suggests that this is a clinically significant region of the protein, and that variants that disrupt it are likely to be disease-causing. For these reasons, this variant has been classified as Pathogenic.

Center for Pediatric Genomic Medicine, Children's Mercy Hospital and Clinics
Classification: Uncertain significance. Last evaluated: 2017-04-24. Review status: criteria provided, single submitter. Criteria: ACMG Guidelines, 2015. Collection method: clinical testing. Allele origin: germline.

Literature cited by the submitters: PubMed 26833332 (cited by Labcorp Genetics (formerly Invitae), Labcorp); PubMed 29759592 (cited by Labcorp Genetics (formerly Invitae), Labcorp); PubMed 33413482 (cited by Labcorp Genetics (formerly Invitae), Labcorp).